The following is an entry in ClinVar:

NM_001018005.2(TPM1):c.309G>T (p.Gln103His)

Gene: TPM1 (tropomyosin 1; plus strand). Cytogenetic location: 15q22.2.
Variant type: single nucleotide variant.
Coding change: c.309G>T on transcript NM_001018005.2 (MANE Select); coding-DNA position 309, G replaced by T.
Protein change: p.Gln103His; replaces glutamine 103 with histidine.
Molecular consequence: missense variant. On other transcripts: non-coding transcript variant (17).
Genome position (GRCh38, 1-based): chr15:63,057,053, G>T. VCF-style: chr15-63057053-G-T. GRCh37 (hg19) VCF-style: chr15-63349252-G-T.
Other names: c.201G>T, p.Gln67His (NM_001330351.2, NM_001365780.1, NM_001365781.2 and 9 more transcripts); c.309G>T, p.Gln103His (NM_001365776.1, NM_001365777.1, NM_001365779.1 and 20 more transcripts); c.435G>T, p.Gln145His (NM_001365778.1, NM_001407322.1, NM_001407323.1 and 1 more transcripts); short protein forms Q103H, Q145H, Q67H.
Identifiers: ClinVar variation 4531507 (VCV004531507.1).

ClinVar aggregate classification (germline): Uncertain significance (1 of 4 stars; one submission).

Conditions:
Dilated cardiomyopathy 1Y (CMD1Y). Identifiers: Orphanet 154, Orphanet 54260, MedGen C2678476, MONDO:0012744, OMIM 611878.

Submission:

Victorian Clinical Genetics Services, Murdoch Childrens Research Institute
Classification: Uncertain significance for Dilated cardiomyopathy 1Y. Last evaluated: 2025-03-13. Review status: criteria provided, single submitter. Criteria: ACMG Guidelines, 2015. Collection method: clinical testing. Allele origin: germline. Affected: yes.
Comment: This variant is classified as VUS-3B. Evidence in support of pathogenic classification: Variant is absent from gnomAD (v2, v3 and v4); Missense variant predicted to be damaging by in silico tool(s) or highly conserved with a major amino acid change. Additional information: Variant is predicted to result in a missense amino acid change from glutamine to histidine; This variant is heterozygous; This gene is associated with autosomal dominant disease; This variant has no previous evidence of pathogenicity; No published segregation evidence has been identified for this variant; No published functional evidence has been identified for this variant; No comparable missense variants have previous evidence for pathogenicity; Variant is located in the annotated tropomyosin domain (DECIPHER); The mechanism of disease for this gene is not clearly established, although it has been suggested that that HCM is caused by gain of function missense variants while DCM is caused by loss of function missense variants (PMID: 31270709); The condition associated with this gene has incomplete penetrance (PMIDs: 33642254, 32882290, 32731933); Inheritance information for this variant is not currently available in this individual.

Literature cited by the submitters: PubMed 32731933; PubMed 33642254; PubMed 31270709; PubMed 32882290.